The following is an entry in ClinVar:

NM_006514.4(SCN10A):c.955T>A (p.Cys319Ser)

Gene: SCN10A (sodium voltage-gated channel alpha subunit 10; minus strand). Cytogenetic location: 3p22.2.
Variant type: single nucleotide variant.
Coding change: c.955T>A on transcript NM_006514.4 (MANE Select); coding-DNA position 955, T replaced by A.
Protein change: p.Cys319Ser; replaces cysteine 319 with serine.
Molecular consequence: missense variant.
Genome position (GRCh38, 1-based): chr3:38,757,155, A>T on the plus strand (T>A on the coding strand, the complement: SCN10A is on the minus strand). VCF-style: chr3-38757155-A-T. GRCh37 (hg19) VCF-style: chr3-38798646-A-T.
Other names: c.955T>A, p.Cys319Ser (NM_001293306.2, NM_001293307.2); short protein forms C319S.
Identifiers: ClinVar variation 463274 (VCV000463274.10), dbSNP rs199715855, ClinGen allele CA2321002.

ClinVar aggregate classification (germline): Uncertain significance. Review status: criteria provided, multiple submitters, no conflicts (2 of 4 stars). 2 submissions from 2 submitters: Uncertain significance (2). Last evaluated 2025-06-08.

Conditions:
Brugada syndrome. Also called: Sudden Unexplained Death Syndrome; Sudden Unexplained Nocturnal Death Syndrome (SUNDS); Sudden unexplained nocturnal death syndrome; Sudden unexpected nocturnal death syndrome. Identifiers: Orphanet 130, MedGen C1142166, MONDO:0015263.
Cardiovascular phenotype. Identifiers: MedGen CN230736.

Allele frequency attached by ClinVar (database versions not stated): TOPMed 0.00001; ExAC 0.00003; gnomAD 0.00003.
gnomAD v4.1: 17 of 1,598,126 alleles (0.0011%); highest among the groups gnomAD compares: Non-Finnish European, 0.0012%; no homozygotes.

Submissions (2):

Ambry Genetics
Classification: Uncertain significance for Cardiovascular phenotype. Last evaluated: 2025-06-08. Review status: criteria provided, single submitter. Criteria: Ambry Variant Classification Scheme 2023. Collection method: clinical testing. Allele origin: germline.

Labcorp Genetics (formerly Invitae), Labcorp
Classification: Uncertain significance for Brugada syndrome. Last evaluated: 2024-09-02. Review status: criteria provided, single submitter. Criteria: Invitae Variant Classification Sherloc (09022015). Collection method: clinical testing. Allele origin: germline.
Comment: This sequence change replaces cysteine, which is neutral and slightly polar, with serine, which is neutral and polar, at codon 319 of the SCN10A protein (p.Cys319Ser). This variant is present in population databases (rs199715855, gnomAD 0.004%). This variant has not been reported in the literature in individuals affected with SCN10A-related conditions. ClinVar contains an entry for this variant (Variation ID: 463274). Invitae Evidence Modeling of protein sequence and biophysical properties (such as structural, functional, and spatial information, amino acid conservation, physicochemical variation, residue mobility, and thermodynamic stability) indicates that this missense variant is expected to disrupt SCN10A protein function with a positive predictive value of 80%. In summary, the available evidence is currently insufficient to determine the role of this variant in disease. Therefore, it has been classified as a Variant of Uncertain Significance.